The following is an entry in ClinVar:

ClinVar aggregate classification (germline): Uncertain significance. Review status: criteria provided, multiple submitters, no conflicts (2 of 4 stars). 4 submissions from 3 submitters: Uncertain significance (4). Last evaluated 2024-03-19.

Conditions:
Inborn genetic diseases. Identifiers: MedGen C0950123, MeSH D030342.
Autosomal recessive limb-girdle muscular dystrophy type 2F (LGMDR6). Also called: Muscular dystrophy limb-girdle with delta-sarcoglyan deficiency; MUSCULAR DYSTROPHY, LIMB-GIRDLE, AUTOSOMAL RECESSIVE 6. Identifiers: Orphanet 219, MedGen C1832525, MONDO:0011028, OMIM 601287. Disease mechanism: Affects gamma-sarcoglycan and also disrupts the integrity of the entire sarcoglycan complex..
Dilated cardiomyopathy 1L (CMD1L). Identifiers: Orphanet 154, MedGen C1847667, MONDO:0011702, OMIM 606685.

Allele frequency attached by ClinVar (database versions not stated): gnomAD exomes below 0.00001.
gnomAD v4.1: 1 of 1,587,710 alleles (0.000063%); highest among the groups gnomAD compares: Non-Finnish European, 0.000086%; no homozygotes.

Submissions (4):

Ambry Genetics
Classification: Uncertain significance for Inborn genetic diseases. Last evaluated: 2024-03-19. Review status: criteria provided, single submitter. Criteria: Ambry Variant Classification Scheme 2023. Collection method: clinical testing. Allele origin: germline.
Comment: The p.I178M variant (also known as c.534A>G), located in coding exon 6 of the SGCD gene, results from an A to G substitution at nucleotide position 534. The isoleucine at codon 178 is replaced by methionine, an amino acid with highly similar properties. This amino acid position is conserved. In addition, this alteration is predicted to be deleterious by in silico analysis. Since supporting evidence is limited at this time, the clinical significance of this alteration remains unclear.

Genome-Nilou Lab
Classification: Uncertain significance for Autosomal recessive limb-girdle muscular dystrophy type 2F. Last evaluated: 2023-02-08. Review status: criteria provided, single submitter. Criteria: ACMG Guidelines, 2015. Collection method: clinical testing. Allele origin: germline.

Genome-Nilou Lab
Classification: Uncertain significance for Dilated cardiomyopathy 1L. Last evaluated: 2023-02-08. Review status: criteria provided, single submitter. Criteria: ACMG Guidelines, 2015. Collection method: clinical testing. Allele origin: germline.

Labcorp Genetics (formerly Invitae), Labcorp
Classification: Uncertain significance for Autosomal recessive limb-girdle muscular dystrophy type 2F. Last evaluated: 2021-02-24. Review status: criteria provided, single submitter. Criteria: Invitae Variant Classification Sherloc (09022015). Collection method: clinical testing. Allele origin: germline.
Comment: This sequence change replaces isoleucine with methionine at codon 178 of the SGCD protein (p.Ile178Met). The isoleucine residue is moderately conserved and there is a small physicochemical difference between isoleucine and methionine. This variant is not present in population databases (ExAC no frequency). This variant has not been reported in the literature in individuals with SGCD-related conditions. Algorithms developed to predict the effect of missense changes on protein structure and function are either unavailable or do not agree on the potential impact of this missense change (SIFT: "Deleterious"; PolyPhen-2: "Benign"; Align-GVGD: "Class C0"). In summary, the available evidence is currently insufficient to determine the role of this variant in disease. Therefore, it has been classified as a Variant of Uncertain Significance.

NM_000337.6(SGCD):c.534A>G (p.Ile178Met)

Gene: SGCD (sarcoglycan delta; plus strand). Cytogenetic location: 5q33.3.
Variant type: single nucleotide variant.
Coding change: c.534A>G on transcript NM_000337.6 (MANE Select); coding-DNA position 534, A replaced by G.
Protein change: p.Ile178Met; replaces isoleucine 178 with methionine.
Molecular consequence: missense variant.
Genome position (GRCh38, 1-based): chr5:156,647,495, A>G. VCF-style: chr5-156647495-A-G. GRCh37 (hg19) VCF-style: chr5-156074505-A-G.
Other names: c.531A>G, p.Ile177Met (NM_001128209.2); c.534A>G, p.Ile178Met (NM_172244.3); short protein forms I177M, I178M.
Identifiers: ClinVar variation 1450883 (VCV001450883.9), dbSNP rs1474496504, ClinGen allele CA362008218.